The following is an entry in ClinVar:

NM_058216.3(RAD51C):c.351A>C (p.Leu117Phe)

Gene: RAD51C (RAD51 paralog C; plus strand). Cytogenetic location: 17q22.
Variant type: single nucleotide variant.
Coding change: c.351A>C on transcript NM_058216.3 (MANE Select); coding-DNA position 351, A replaced by C.
Protein change: p.Leu117Phe; replaces leucine 117 with phenylalanine.
Molecular consequence: missense variant. On other transcripts: non-coding transcript variant (2).
Genome position (GRCh38, 1-based): chr17:58,695,136, A>C. VCF-style: chr17-58695136-A-C. GRCh37 (hg19) VCF-style: chr17-56772497-A-C.
Other names: c.351A>C, p.Leu117Phe (NM_002876.4); short protein forms L117F.
Identifiers: ClinVar variation 490125 (VCV000490125.13), dbSNP rs370986989, ClinGen allele CA400341542.
Genomic context (GRCh38, chr17:58,695,136, plus strand): 5'-GGGCTTCATAATCACCTTCTGTTCAGCACTAGATGATATTCTTGGGGGTGGAGTGCCCTT[A>C]ATGAAAACAACAGAAATTTGTGGTGCACCAGGTGTTGGAAAAACACAATTATGGTAAAAT-3'
Protein context (NP_478123.1, residues 107-127): LDDILGGGVP[Leu117Phe]MKTTEICGAP

ClinVar aggregate classification (germline): Conflicting classifications of pathogenicity. Review status: criteria provided, conflicting classifications (1 of 4 stars). 3 submissions from 3 submitters: Uncertain significance (2); Benign (1). Last evaluated 2025-10-28.

Conditions:
Hereditary cancer-predisposing syndrome. Also called: Tumor predisposition; Neoplastic Syndromes, Hereditary; Hereditary Cancer Syndrome; Hereditary neoplastic syndrome. Identifiers: Orphanet 140162, MedGen C0027672, MeSH D009386, MONDO:0015356.
Fanconi anemia complementation group O. Also called: RAD51C-Related Fanconi Anemia. Identifiers: Orphanet 84, MedGen C3150653, MONDO:0013248, OMIM 613390.

Submissions (3):

Ambry Genetics
Classification: Benign for Hereditary cancer-predisposing syndrome. Last evaluated: 2025-10-28. Review status: criteria provided, single submitter. Criteria: Ambry Variant Classification Scheme 2023. Collection method: clinical testing. Allele origin: germline.

Labcorp Genetics (formerly Invitae), Labcorp
Classification: Uncertain significance for Fanconi anemia complementation group O. Last evaluated: 2025-06-14. Review status: criteria provided, single submitter. Criteria: Invitae Variant Classification Sherloc (09022015). Collection method: clinical testing. Allele origin: germline.
Comment: This sequence change replaces leucine, which is neutral and non-polar, with phenylalanine, which is neutral and non-polar, at codon 117 of the RAD51C protein (p.Leu117Phe). This variant is not present in population databases (gnomAD no frequency). This variant has not been reported in the literature in individuals affected with RAD51C-related conditions. ClinVar contains an entry for this variant (Variation ID: 490125). Invitae Evidence Modeling of protein sequence and biophysical properties (such as structural, functional, and spatial information, amino acid conservation, physicochemical variation, residue mobility, and thermodynamic stability) indicates that this missense variant is not expected to disrupt RAD51C protein function with a negative predictive value of 80%. In summary, the available evidence is currently insufficient to determine the role of this variant in disease. Therefore, it has been classified as a Variant of Uncertain Significance.

Color Diagnostics, LLC DBA Color Health
Classification: Uncertain significance for Hereditary cancer-predisposing syndrome. Last evaluated: 2023-12-05. Review status: criteria provided, single submitter. Criteria: ACMG Guidelines, 2015. Collection method: clinical testing. Allele origin: germline.
Comment: This missense variant replaces leucine with phenylalanine at codon 117 of the RAD51C protein. Computational prediction suggests that this variant may not impact protein structure and function (internally defined REVEL score threshold <= 0.5, PMID: 27666373). To our knowledge, functional studies have not been reported for this variant. This variant has not been reported in individuals affected with RAD51C-related disorders in the literature. This variant has not been identified in the general population by the Genome Aggregation Database (gnomAD). The available evidence is insufficient to determine the role of this variant in disease conclusively. Therefore, this variant is classified as a Variant of Uncertain Significance.